The following is an entry in ClinVar:

ClinVar aggregate classification (germline): Likely pathogenic (1 of 4 stars; one submission).

Conditions:
Ataxia-telangiectasia syndrome (AT). Also called: Ataxia-telangiectasia, complementation group D; AT, COMPLEMENTATION GROUP C; ATAXIA-TELANGIECTASIA, COMPLEMENTATION GROUP A; ATAXIA-TELANGIECTASIA, FRESNO VARIANT; Ataxia-telangiectasia, complementation group E; LOUIS-BAR SYNDROME. Identifiers: Orphanet 100, MedGen C0004135, MONDO:0008840, OMIM 208900.

Submission:

Labcorp Genetics (formerly Invitae), Labcorp
Classification: Likely pathogenic for Ataxia-telangiectasia syndrome. Last evaluated: 2022-09-03. Review status: criteria provided, single submitter. Criteria: Invitae Variant Classification Sherloc (09022015). Collection method: clinical testing. Allele origin: germline.
Comment: In summary, the currently available evidence indicates that the variant is pathogenic, but additional data are needed to prove that conclusively. Therefore, this variant has been classified as Likely Pathogenic. Algorithms developed to predict the effect of sequence changes on RNA splicing suggest that this variant may disrupt the consensus splice site. This variant has not been reported in the literature in individuals affected with ATM-related conditions. This variant is not present in population databases (gnomAD no frequency). This variant results in the deletion of part of exon 58 (c.8578_8584+17del) of the ATM gene. It is expected to disrupt RNA splicing. Variants that disrupt the donor or acceptor splice site typically lead to a loss of protein function (PMID: 16199547), and loss-of-function variants in ATM are known to be pathogenic (PMID: 23807571, 25614872).

Literature cited by the submitters: PubMed 16199547; PubMed 23807571; PubMed 25614872.

NM_000051.4(ATM):c.8578_8584+17del

Genes: ATM (ATM serine/threonine kinase; plus strand), C11orf65 (chromosome 11 open reading frame 65; minus strand). Cytogenetic location: 11q22.3.
Variant type: Deletion.
Coding change: c.8578_8584+17del on transcript NM_000051.4 (MANE Select); coding-DNA position 8578 through 17 bases into the intron after coding-DNA position 8584, 24 bases deleted (TCTATTGGTAATCTTCTTGTACAT).
Molecular consequence: splice donor variant. On other transcripts: intron variant (2).
Genome position (GRCh38, 1-based): chr11:108,345,902-108,345,925, TCTATTGGTAATCTTCTTGTACAT deleted; deleting any 24 consecutive bases within chr11:108,345,901-108,345,925 gives the same sequence; the c. name uses the placement nearest the transcript's 3' end. VCF-style (leftmost placement, unchanged base first): chr11-108345900-CTTCTATTGGTAATCTTCTTGTACA-C. GRCh37 (hg19) VCF-style: chr11-108216627-CTTCTATTGGTAATCTTCTTGTACA-C.
Other names: c.8578_8584+17del (NM_001351834.2); c.641-36853_641-36830del (NM_001330368.2); c.695-10632_695-10609del (NM_001351110.2).
Identifiers: ClinVar variation 2028763 (VCV002028763.4), dbSNP rs2547446429, ClinGen allele CA2580083444.